The following is an entry in ClinVar:

ClinVar aggregate classification (germline): Uncertain significance (1 of 4 stars; one submission).

Conditions:
Autosomal recessive limb-girdle muscular dystrophy type 2O. Also called: Limb-Girdle Muscular Dystrophy Type 3C; MUSCULAR DYSTROPHY-DYSTROGLYCANOPATHY (LIMB-GIRDLE), TYPE C, 3; MUSCULAR DYSTROPHY-DYSTROGLYCANOPATHY, LIMB-GIRDLE, POMGNT1-RELATED. Identifiers: Orphanet 206564, MedGen C3150417, MONDO:0013161, OMIM 613157.
Muscular dystrophy-dystroglycanopathy (congenital with impaired intellectual development), type B, 3. Also called: Muscular dystrophy-dystroglycanopathy (congenital with intellectual disability), type B3; MUSCULAR DYSTROPHY, CONGENITAL, POMGNT1-RELATED. Identifiers: MedGen C3150412, MONDO:0013155, OMIM 613151.

gnomAD v4.1: 2 of 1,614,056 alleles (0.00012%); highest among the groups gnomAD compares: Non-Finnish European, 0.000085%; no homozygotes.

Submission:

Labcorp Genetics (formerly Invitae), Labcorp
Classification: Uncertain significance for Autosomal recessive limb-girdle muscular dystrophy type 2O; Muscular dystrophy-dystroglycanopathy (congenital with impaired intellectual development), type B, 3. Last evaluated: 2022-03-01. Review status: criteria provided, single submitter. Criteria: Invitae Variant Classification Sherloc (09022015). Collection method: clinical testing. Allele origin: germline.
Comment: This sequence change replaces phenylalanine, which is neutral and non-polar, with cysteine, which is neutral and slightly polar, at codon 13 of the POMGNT1 protein (p.Phe13Cys). This variant is not present in population databases (gnomAD no frequency). This variant has not been reported in the literature in individuals affected with POMGNT1-related conditions. Advanced modeling of protein sequence and biophysical properties (such as structural, functional, and spatial information, amino acid conservation, physicochemical variation, residue mobility, and thermodynamic stability) performed at Invitae indicates that this missense variant is not expected to disrupt POMGNT1 protein function. In summary, the available evidence is currently insufficient to determine the role of this variant in disease. Therefore, it has been classified as a Variant of Uncertain Significance.

NM_017739.4(POMGNT1):c.38T>G (p.Phe13Cys)

Gene: POMGNT1 (protein O-linked mannose N-acetylglucosaminyltransferase 1 (beta 1,2-); minus strand). Cytogenetic location: 1p34.1.
Variant type: single nucleotide variant.
Coding change: c.38T>G on transcript NM_017739.4 (MANE Select); coding-DNA position 38, T replaced by G.
Protein change: p.Phe13Cys; replaces phenylalanine 13 with cysteine.
Molecular consequence: missense variant.
Genome position (GRCh38, 1-based): chr1:46,197,784, A>C on the plus strand (T>G on the coding strand, the complement: POMGNT1 is on the minus strand). VCF-style: chr1-46197784-A-C. GRCh37 (hg19) VCF-style: chr1-46663456-A-C.
Other names: c.38T>G, p.Phe13Cys (NM_001243766.2, NM_001410783.1); short protein forms F13C.
Identifiers: ClinVar variation 2173695 (VCV002173695.1), dbSNP rs377724143, ClinGen allele CA340193105.